The following is an entry in ClinVar:

NM_024408.4(NOTCH2):c.4155C>T (p.His1385=)

Gene: NOTCH2 (notch receptor 2; minus strand). Cytogenetic location: 1p12.
Variant type: single nucleotide variant.
Coding change: c.4155C>T on transcript NM_024408.4 (MANE Select); coding-DNA position 4155, C replaced by T.
Protein change: p.His1385=; no amino-acid change (histidine 1385 retained).
Molecular consequence: synonymous variant.
Genome position (GRCh38, 1-based): chr1:119,925,661, G>A on the plus strand (C>T on the coding strand, the complement: NOTCH2 is on the minus strand). VCF-style: chr1-119925661-G-A. GRCh37 (hg19) VCF-style: chr1-120468284-G-A.
Identifiers: ClinVar variation 1670708 (VCV001670708.11), dbSNP rs764948417, ClinGen allele CA1039904.

ClinVar aggregate classification (germline): Likely benign. Review status: criteria provided, multiple submitters, no conflicts (2 of 4 stars). 3 submissions from 3 submitters: Likely benign (3). Last evaluated 2025-11-27.

Conditions:
Inborn genetic diseases. Identifiers: MedGen C0950123, MeSH D030342.
Hajdu-Cheney syndrome (HJCYS). Also called: SERPENTINE FIBULA-POLYCYSTIC KIDNEY SYNDROME; ACROOSTEOLYSIS WITH OSTEOPOROSIS AND CHANGES IN SKULL AND MANDIBLE; Acroosteolysis dominant type. Identifiers: Orphanet 955, MedGen C0917715, MONDO:0007057, OMIM 102500.

Allele frequency attached by ClinVar (database versions not stated): ExAC 0.00004; gnomAD exomes 0.00004; gnomAD 0.00005 and 0.00006.
gnomAD v4.1: 60 of 1,612,566 alleles (0.0037%); highest among the groups gnomAD compares: Middle Eastern, 0.033%; no homozygotes.

Submissions (3):

Labcorp Genetics (formerly Invitae), Labcorp
Classification: Likely benign for Hajdu-Cheney syndrome. Last evaluated: 2025-11-27. Review status: criteria provided, single submitter. Criteria: Invitae Variant Classification Sherloc (09022015). Collection method: clinical testing. Allele origin: germline.

Ambry Genetics
Classification: Likely benign for Inborn genetic diseases. Last evaluated: 2023-12-20. Review status: criteria provided, single submitter. Criteria: Ambry Variant Classification Scheme 2023. Collection method: clinical testing. Allele origin: germline.

GeneDx
Classification: Likely benign. Last evaluated: 2020-09-21. Review status: criteria provided, single submitter. Criteria: GeneDx Variant Classification Process June 2021. Collection method: clinical testing. Allele origin: germline. Affected: yes.
Comment: See Variant Classification Assertion Criteria.